The following is an entry in ClinVar:

NM_203447.4(DOCK8):c.2710A>G (p.Ser904Gly)

Gene: DOCK8 (dedicator of cytokinesis 8; plus strand). Cytogenetic location: 9p24.3.
Variant type: single nucleotide variant.
Coding change: c.2710A>G on transcript NM_203447.4 (MANE Select); coding-DNA position 2710, A replaced by G.
Protein change: p.Ser904Gly; replaces serine 904 with glycine.
Molecular consequence: missense variant.
Genome position (GRCh38, 1-based): chr9:382,617, A>G. VCF-style: chr9-382617-A-G. GRCh37 (hg19) VCF-style: chr9-382617-A-G.
Other names: c.2506A>G, p.Ser836Gly (NM_001190458.2, NM_001193536.2); short protein forms S904G, S836G.
Identifiers: ClinVar variation 1486415 (VCV001486415.5), dbSNP rs1156460723, ClinGen allele CA372765335.
Genomic context (GRCh38, chr9:382,617, plus strand): 5'-GGCCGCACATCAGCTGCTGCTGTGAGTTCAAAGCTGCTGCAGGCCCGGGTGATGAGCAGC[A>G]GTAACCCAGACCTCGCGGGGACACACTCCGCAGCAGACGAGGAAGTGAAGAACATCATGT-3'
Protein context (NP_982272.2, residues 894-914): KLLQARVMSS[Ser904Gly]NPDLAGTHSA

ClinVar aggregate classification (germline): Uncertain significance (1 of 4 stars; one submission).

Conditions:
Combined immunodeficiency due to DOCK8 deficiency (HIES2). Also called: HIES autosomal recessive; DOCK8 Deficiency; Hyper-IgE recurrent infection syndrome, autosomal recessive; HYPER-IgE SYNDROME 2, AUTOSOMAL RECESSIVE, WITH RECURRENT INFECTIONS; HYPER-IgE RECURRENT INFECTION SYNDROME 2, AUTOSOMAL RECESSIVE. Identifiers: Orphanet 217390, MedGen C4722305, MONDO:0009478, OMIM 243700.

Allele frequency attached by ClinVar (database versions not stated): gnomAD exomes below 0.00001 and 0.00001; TOPMed below 0.00001.
gnomAD v4.1: 11 of 1,614,218 alleles (0.00068%); highest among the groups gnomAD compares: Non-Finnish European, 0.00076%; no homozygotes.

Submission:

Labcorp Genetics (formerly Invitae), Labcorp
Classification: Uncertain significance for Combined immunodeficiency due to DOCK8 deficiency. Last evaluated: 2022-05-20. Review status: criteria provided, single submitter. Criteria: Invitae Variant Classification Sherloc (09022015). Collection method: clinical testing. Allele origin: germline.
Comment: This sequence change replaces serine, which is neutral and polar, with glycine, which is neutral and non-polar, at codon 904 of the DOCK8 protein (p.Ser904Gly). This variant is present in population databases (no rsID available, gnomAD 0.0009%). This variant has not been reported in the literature in individuals affected with DOCK8-related conditions. Algorithms developed to predict the effect of missense changes on protein structure and function are either unavailable or do not agree on the potential impact of this missense change (SIFT: "Tolerated"; PolyPhen-2: "Possibly Damaging"; Align-GVGD: "Class C0"). In summary, the available evidence is currently insufficient to determine the role of this variant in disease. Therefore, it has been classified as a Variant of Uncertain Significance.